The following is an entry in ClinVar:

NM_001903.5(CTNNA1):c.1070G>A (p.Arg357His)

Gene: CTNNA1 (catenin alpha 1; plus strand). Cytogenetic location: 5q31.2.
Variant type: single nucleotide variant.
Coding change: c.1070G>A on transcript NM_001903.5 (MANE Select); coding-DNA position 1070, G replaced by A.
Protein change: p.Arg357His; replaces arginine 357 with histidine.
Molecular consequence: missense variant. On other transcripts: 5 prime UTR variant (26), intron variant (2).
Genome position (GRCh38, 1-based): chr5:138,886,219, G>A. VCF-style: chr5-138886219-G-A. GRCh37 (hg19) VCF-style: chr5-138221908-G-A.
Other names: c.1070G>A, p.Arg357His (NM_001290307.3, NM_001323982.2, NM_001323983.1 and 3 more transcripts); c.761G>A, p.Arg254His (NM_001290309.3); c.701G>A, p.Arg234His (NM_001290310.3); c.-41G>A (NM_001290312.1, NM_001323987.1, NM_001323988.1 and 18 more transcripts); c.-438G>A (NM_001324006.1, NM_001324007.1, NM_001324008.1 and 1 more transcripts); c.-313G>A (NM_001324013.1); c.-58+10622G>A (NM_001324012.1); c.-61+10622G>A (NM_001324010.1); and 1 more; short protein forms R357H, R234H, R254H.
Identifiers: ClinVar variation 648937 (VCV000648937.19), dbSNP rs192686066, ClinGen allele CA3431859.
Genomic context (GRCh38, chr5:138,886,219, plus strand): 5'-ATTAGGTTTCTTTGTAAATGAATAAAATGCTCATCTCTTTTCCTTTTATCCAGGCTGGAC[G>A]TAAAGAAAGAAGTGATGCACTCAATTCTGCAATAGATAAAATGACCAAGAAGACCAGGGA-3'
Protein context (NP_001894.2, residues 347-367): LLSEYMGNAG[Arg357His]KERSDALNSA

ClinVar aggregate classification (germline): Conflicting classifications of pathogenicity. Review status: criteria provided, conflicting classifications (1 of 4 stars). 7 submissions from 7 submitters: Uncertain significance (5); Likely benign (2). Last evaluated 2026-01-27.

Conditions:
Patterned macular dystrophy 2. Identifiers: Orphanet 99001, MedGen C1837029, MONDO:0012162, OMIM 608970.
Hereditary cancer-predisposing syndrome. Also called: Neoplastic Syndromes, Hereditary; Tumor predisposition; Hereditary neoplastic syndrome; Hereditary Cancer Syndrome. Identifiers: Orphanet 140162, MedGen C0027672, MeSH D009386, MONDO:0015356.
CTNNA1-related disorder. Also called: CTNNA1-related condition.
Hereditary diffuse gastric adenocarcinoma (HDGC). Also called: DIFFUSE GASTRIC AND LOBULAR BREAST CANCER SYNDROME. Identifiers: Orphanet 26106, MedGen C1708349, MONDO:0007648, OMIM 137215.

Allele frequency attached by ClinVar (database versions not stated): gnomAD exomes 0.00007 and 0.00008; ExAC 0.00008; TOPMed 0.00009; gnomAD 0.00011; 1000 Genomes Project 30x 0.00047; 1000 Genomes Project 0.00060.
gnomAD v4.1: 138 of 1,609,658 alleles (0.0086%); highest among the groups gnomAD compares: Non-Finnish European, 0.01%; no homozygotes.

Submissions (7):

Labcorp Genetics (formerly Invitae), Labcorp
Classification: Uncertain significance. Last evaluated: 2026-01-27. Review status: criteria provided, single submitter. Criteria: Invitae Variant Classification Sherloc (09022015). Collection method: clinical testing. Allele origin: germline.
Comment: This sequence change replaces arginine, which is basic and polar, with histidine, which is basic and polar, at codon 357 of the CTNNA1 protein (p.Arg357His). This variant is present in population databases (rs192686066, gnomAD 0.01%). This missense change has been observed in individuals with clinical features of retinal dystrophy (internal data). ClinVar contains an entry for this variant (Variation ID: 648937). Invitae Evidence Modeling of protein sequence and biophysical properties (such as structural, functional, and spatial information, amino acid conservation, physicochemical variation, residue mobility, and thermodynamic stability) indicates that this missense variant is not expected to disrupt CTNNA1 protein function with a negative predictive value of 80%. In summary, the available evidence is currently insufficient to determine the role of this variant in disease. Therefore, it has been classified as a Variant of Uncertain Significance.

Center for Genomic Medicine, Rigshospitalet, Copenhagen University Hospital
Classification: Uncertain significance. Last evaluated: 2025-12-29. Review status: criteria provided, single submitter. Criteria: ACMG Guidelines, 2015. Collection method: clinical testing. Allele origin: germline.

GeneDx
Classification: Uncertain significance. Last evaluated: 2025-06-03. Review status: criteria provided, single submitter. Criteria: GeneDx Variant Classification Process June 2021. Collection method: clinical testing. Allele origin: germline. Affected: yes.
Comment: In silico analysis suggests that this missense variant does not alter protein structure/function; Observed in individuals undergoing multigene panel testing (PMID: 32051609); This variant is associated with the following publications: (PMID: 32051609)

PreventionGenetics, part of Exact Sciences
Classification: Uncertain significance for CTNNA1-related condition. Last evaluated: 2025-05-30. Review status: criteria provided, single submitter. Criteria: ACMG Guidelines, 2015. Collection method: clinical testing. Allele origin: germline.
Comment: The CTNNA1 c.1070G>A variant is predicted to result in the amino acid substitution p.Arg357His. This variant has been identified in 35 alleles in a cohort of individuals with gastric, breast or other cancers and non-cancer individuals but the phenotype of the carriers was no provided (Table S1, Clark et al. 2020. PubMed ID: 32051609). This variant is reported in 0.010% of alleles in individuals of European (Non-Finnish) descent in gnomAD and has conflicting interpretations of likely benign and uncertain significance in ClinVar. Although we suspect that this variant may be benign, at this time, the clinical significance of this variant is uncertain due to the absence of conclusive functional and genetic evidence.

Myriad Genetics, Inc.
Classification: Likely benign for Hereditary diffuse gastric adenocarcinoma. Last evaluated: 2024-10-10. Review status: criteria provided, single submitter. Criteria: Myriad Autosomal Dominant, Autosomal Recessive and X-Linked Classification Criteria (2023). Collection method: clinical testing. Allele origin: unknown.
Comment: This variant is considered likely benign. This variant has been observed at a population frequency that is significantly greater than expected given the associated disease prevalence and penetrance.

Baylor Genetics
Classification: Uncertain significance for Patterned macular dystrophy 2. Last evaluated: 2023-10-19. Review status: criteria provided, single submitter. Criteria: ACMG Guidelines, 2015. Collection method: clinical testing. Allele origin: unknown.

Ambry Genetics
Classification: Likely benign for Hereditary cancer-predisposing syndrome. Last evaluated: 2021-11-10. Review status: criteria provided, single submitter. Criteria: Ambry Variant Classification Scheme 2023. Collection method: clinical testing. Allele origin: germline.